The following is an entry in ClinVar:

NM_001376.5(DYNC1H1):c.10941G>A (p.Pro3647=)

Gene: DYNC1H1 (dynein cytoplasmic 1 heavy chain 1; plus strand). Cytogenetic location: 14q32.31.
Variant type: single nucleotide variant.
Coding change: c.10941G>A on transcript NM_001376.5 (MANE Select); coding-DNA position 10941, G replaced by A.
Protein change: p.Pro3647=; no amino-acid change (proline 3647 retained).
Molecular consequence: synonymous variant.
Genome position (GRCh38, 1-based): chr14:102,038,492, G>A. VCF-style: chr14-102038492-G-A. GRCh37 (hg19) VCF-style: chr14-102504829-G-A.
Identifiers: ClinVar variation 514404 (VCV000514404.49), dbSNP rs374214760, ClinGen allele CA7353510.
Genomic context (GRCh38, chr14:102,038,492, plus strand): 5'-CATCAAGTTCCACCCGTGTGGAATGCAGGATGTGGAAAGCTACGATCCAGTTTTGAACCC[G>A]GTGCTGAACCGTGAAGTGCGGCGAACAGGGGGGAGAGTGCTGATCACTCTCGGGGACCAG-3'
Protein context (NP_001367.2, residues 3637-3657): DVESYDPVLN[Pro3647=]VLNREVRRTG

ClinVar aggregate classification (germline): Likely benign. Review status: criteria provided, multiple submitters, no conflicts (2 of 4 stars). 10 submissions from 9 submitters: Likely benign (9). 1 of the submissions does not count toward it. Last evaluated 2026-01-10.

Conditions:
Autosomal dominant cerebellar ataxia. Also called: Spinocerebellar Ataxia, Dominant. Identifiers: Orphanet 99, MedGen C4087347, MONDO:0020380.
Inborn genetic diseases. Identifiers: MedGen C0950123, MeSH D030342.
Charcot-Marie-Tooth disease axonal type 2O. Also called: CHARCOT-MARIE-TOOTH NEUROPATHY, AXONAL, TYPE 2O; CHARCOT-MARIE-TOOTH DISEASE, AXONAL, AUTOSOMAL DOMINANT, TYPE 2O; Charcot-Marie-Tooth disease, axonal, type 20; Charcot-Marie-Tooth Neuropathy Type 2O. Identifiers: Orphanet 284232, MedGen C3280220, MONDO:0013644, OMIM 614228.
DYNC1H1-related disorder. Also called: DYNC1H1-related condition; DYNC1H1-related disorders. Identifiers: MedGen CN381529.
Charcot-Marie-Tooth disease. Also called: Charcot-Marie-Tooth Hereditary Neuropathy; Charcot-Marie-Tooth Neuropathy. Identifiers: Orphanet 166, MedGen C0007959, MONDO:0015626.

Allele frequency attached by ClinVar (database versions not stated): gnomAD 0.00004; gnomAD exomes 0.00004; ExAC 0.00005; TOPMed 0.00005; ESP Exome Variant Server 0.00008.
gnomAD v4.1: 71 of 1,614,038 alleles (0.0044%); highest among the groups gnomAD compares: Middle Eastern, 0.016%; no homozygotes.

Submissions (10):

Labcorp Genetics (formerly Invitae), Labcorp
Classification: Likely benign for Charcot-Marie-Tooth disease axonal type 2O. Last evaluated: 2026-01-10. Review status: criteria provided, single submitter. Criteria: Invitae Variant Classification Sherloc (09022015). Collection method: clinical testing. Allele origin: germline.

CeGaT Center for Human Genetics Tuebingen
Classification: Likely benign. Last evaluated: 2025-07-01. Review status: criteria provided, single submitter. Criteria: CeGaT Center For Human Genetics Tuebingen Variant Classification Criteria Version 2. Collection method: clinical testing. Allele origin: germline. Affected: yes. Observed: 2 variant alleles.
Comment: DYNC1H1: BP4, BP7

Blueprint Genetics
Classification: Likely benign. Last evaluated: 2024-09-11. Review status: criteria provided, single submitter. Criteria: ACMG Guidelines, 2015. Collection method: clinical testing. Allele origin: germline.

ARUP Laboratories, Molecular Genetics and Genomics, ARUP Laboratories
Classification: Likely benign. Last evaluated: 2020-04-13. Review status: criteria provided, single submitter. Criteria: ARUP Molecular Germline Variant Investigation Process. Collection method: clinical testing. Allele origin: germline.

Illumina Laboratory Services, Illumina
Classification: Likely benign for Charcot-Marie-Tooth disease axonal type 2O. Last evaluated: 2018-01-12. Review status: criteria provided, single submitter. Criteria: ICSL Variant Classification Criteria 13 December 2019. Collection method: clinical testing. Allele origin: germline.
Comment: This variant was observed in the ICSL laboratory as part of a predisposition screen in an ostensibly healthy population. It had not been previously curated by ICSL or reported in the Human Gene Mutation Database (HGMD: prior to June 1st, 2018), and was therefore a candidate for classification through an automated scoring system. Utilizing variant allele frequency, disease prevalence and penetrance estimates, and inheritance mode, an automated score was calculated to assess if this variant is too frequent to cause the disease. Based on the score and internal cut-off values, a variant classified as likely benign is not then subjected to further curation. The score for this variant resulted in a classification of likely benign for this disease.

Illumina Laboratory Services, Illumina
Classification: Likely benign for Spinocerebellar Ataxia, Dominant. Last evaluated: 2018-01-12. Review status: criteria provided, single submitter. Criteria: ICSL Variant Classification Criteria 13 December 2019. Collection method: clinical testing. Allele origin: germline.
Comment: the same text as in the submission from Illumina Laboratory Services, Illumina above.

GeneDx
Classification: Likely benign. Last evaluated: 2017-12-27. Review status: criteria provided, single submitter. Criteria: GeneDx Variant Classification (06012015). Collection method: clinical testing. Allele origin: germline. Affected: yes.
Comment: This variant is considered likely benign or benign based on one or more of the following criteria: it is a conservative change, it occurs at a poorly conserved position in the protein, it is predicted to be benign by multiple in silico algorithms, and/or has population frequency not consistent with disease.

Ambry Genetics
Classification: Likely benign for Inborn genetic diseases. Last evaluated: 2017-10-27. Review status: criteria provided, single submitter. Criteria: Ambry Variant Classification Scheme 2023. Collection method: clinical testing. Allele origin: germline.

Molecular Genetics Laboratory, London Health Sciences Centre
Classification: Likely benign for Charcot-Marie-Tooth disease. Review status: criteria provided, single submitter. Criteria: ACMG Guidelines, 2015. Collection method: clinical testing. Allele origin: germline. Affected: yes.

PreventionGenetics, part of Exact Sciences
Classification: Likely benign for DYNC1H1-related condition. Last evaluated: 2021-09-09. Review status: no assertion criteria provided. Collection method: clinical testing. Allele origin: germline. Not counted in ClinVar's aggregate classification.
Comment: This variant is classified as likely benign based on ACMG/AMP sequence variant interpretation guidelines (Richards et al. 2015 PMID: 25741868, with internal and published modifications).